The following is an entry in ClinVar:

ClinVar aggregate classification (germline): Benign. Review status: criteria provided, multiple submitters, no conflicts (2 of 4 stars). 2 submissions from 2 submitters: Benign (2). Last evaluated 2018-01-12.

Conditions:
Familial dysautonomia. Also called: HSAN III; FD. Identifiers: Orphanet 1764, MedGen C0013364, MONDO:0009131, OMIM 223900. Disease mechanism: loss of function.

Allele frequency attached by ClinVar (database versions not stated): gnomAD exomes 0.01385; gnomAD 0.01747 and 0.01792; TOPMed 0.01989; 1000 Genomes Project 30x 0.03404; 1000 Genomes Project 0.03534.
gnomAD v4.1: 8,144 of 545,376 alleles (1.5%); highest among the groups gnomAD compares: East Asian, 11%; 251 homozygotes.

Submissions (2):

Illumina Laboratory Services, Illumina
Classification: Benign for Familial dysautonomia. Last evaluated: 2018-01-12. Review status: criteria provided, single submitter. Criteria: ICSL Variant Classification Criteria 13 December 2019. Collection method: clinical testing. Allele origin: germline.
Comment: This variant was observed in the ICSL laboratory as part of a predisposition screen in an ostensibly healthy population. It had not been previously curated by ICSL or reported in the Human Gene Mutation Database (HGMD: prior to June 1st, 2018), and was therefore a candidate for classification through an automated scoring system. Utilizing variant allele frequency, disease prevalence and penetrance estimates, and inheritance mode, an automated score was calculated to assess if this variant is too frequent to cause the disease. Based on the score and internal cut-off values, a variant classified as benign is not then subjected to further curation. The score for this variant resulted in a classification of benign for this disease.

Breakthrough Genomics
Classification: Benign. Review status: criteria provided, single submitter. Criteria: ACMG Guidelines, 2015. Collection method: not provided. Allele origin: germline. Inheritance: Autosomal recessive inheritance. Affected: yes.

NM_003640.5(ELP1):c.*392A>G

Gene: ELP1 (elongator acetyltransferase complex subunit 1; minus strand). Cytogenetic location: 9q31.3.
Variant type: single nucleotide variant.
Coding change: c.*392A>G on transcript NM_003640.5 (MANE Select); 392 bases downstream of the stop codon, A replaced by G.
Molecular consequence: 3 prime UTR variant.
Genome position (GRCh38, 1-based): chr9:108,868,723, T>C on the plus strand (A>G on the coding strand, the complement: ELP1 is on the minus strand). VCF-style: chr9-108868723-T-C. GRCh37 (hg19) VCF-style: chr9-111631003-T-C.
Other names: c.*392A>G (NM_001318360.2, NM_001330749.2, LRG_251t1).
Identifiers: ClinVar variation 364549 (VCV000364549.6), dbSNP rs10979577, ClinGen allele CA10632208.